The following is an entry in ClinVar:

NM_001267550.2(TTN):c.87600G>C (p.Met29200Ile)

Genes: TTN (titin; minus strand), TTN-AS1 (TTN antisense RNA 1; plus strand). Cytogenetic location: 2q31.2.
Variant type: single nucleotide variant.
Coding change: c.87600G>C on transcript NM_001267550.2 (MANE Select); coding-DNA position 87600, G replaced by C.
Protein change: p.Met29200Ile; replaces methionine 29200 with isoleucine.
Molecular consequence: missense variant.
Genome position (GRCh38, 1-based): chr2:178,557,754, C>G on the plus strand (G>C on the coding strand, the complement: TTN is on the minus strand). VCF-style: chr2-178557754-C-G. GRCh37 (hg19) VCF-style: chr2-179422481-C-G.
Other names: c.82677G>C, p.Met27559Ile (NM_001256850.1); c.60405G>C, p.Met20135Ile (NM_003319.4); c.79896G>C, p.Met26632Ile (NM_133378.4); c.60780G>C, p.Met20260Ile (NM_133432.3); c.60981G>C, p.Met20327Ile (NM_133437.4); c.87600G>C (NM_001267550.1); short protein forms M27559I, M29200I, M20135I, M20327I, M26632I, M20260I.
Identifiers: ClinVar variation 513448 (VCV000513448.28), dbSNP rs750362675, ClinGen allele CA1988293.

ClinVar aggregate classification (germline): Conflicting classifications of pathogenicity. Review status: criteria provided, conflicting classifications (1 of 4 stars). 12 submissions from 8 submitters: Uncertain significance (3); Benign (3); Likely benign (6). Last evaluated 2026-01-27.

Conditions:
Autosomal recessive limb-girdle muscular dystrophy type 2J (LGMDR10). Also called: Limb-girdle muscular dystrophy, type 2J; MUSCULAR DYSTROPHY, LIMB-GIRDLE, AUTOSOMAL RECESSIVE 10. Identifiers: Orphanet 140922, MedGen C1837342, MONDO:0012127, OMIM 608807.
Dilated cardiomyopathy 1G (CMD1G). Identifiers: Orphanet 154, MedGen C1858763, MONDO:0011400, OMIM 604145.
Myopathy, myofibrillar, 9, with early respiratory failure (MFM9). Also called: Hereditary myopathy with early respiratory failure; EDSTROM MYOPATHY; MYOPATHY, PROXIMAL, WITH EARLY RESPIRATORY MUSCLE INVOLVEMENT; Myopathy, distal, with early respiratory failure, autosomal dominant. Identifiers: Orphanet 178464, Orphanet 34521, MedGen C1863599, MONDO:0011362, OMIM 603689.
Tibial muscular dystrophy (TMD). Also called: Udd Distal Myopathy – Tibial Muscular Dystrophy; UDD MYOPATHY; Tibial muscular dystrophy, tardive. Identifiers: Orphanet 609, MedGen C1838244, MONDO:0010870, OMIM 600334.
TTN-related disorder. Also called: TTN-related condition; TTN-related disease; TTN-related disorders.
Early-onset myopathy with fatal cardiomyopathy (CMYO5). Also called: Salih Myopathy; CONGENITAL MYOPATHY 5 WITH CARDIOMYOPATHY. Identifiers: Orphanet 289377, MedGen C2673677, MONDO:0012714, OMIM 611705. Disease mechanism: loss of function.

Allele frequency attached by ClinVar (database versions not stated): gnomAD 0.00001; gnomAD exomes 0.00004 and 0.00024; TOPMed 0.00009; ExAC 0.00027.
gnomAD v4.1: 66 of 1,613,836 alleles (0.0041%); highest among the groups gnomAD compares: Admixed American, 0.098%; no homozygotes.

Submissions (12):

Labcorp Genetics (formerly Invitae), Labcorp
Classification: Likely benign for Dilated cardiomyopathy 1G; Autosomal recessive limb-girdle muscular dystrophy type 2J. Last evaluated: 2026-01-27. Review status: criteria provided, single submitter. Criteria: Invitae Variant Classification Sherloc (09022015). Collection method: clinical testing. Allele origin: germline.

Women's Health and Genetics/Laboratory Corporation of America, LabCorp
Classification: Likely benign. Last evaluated: 2025-12-29. Review status: criteria provided, single submitter. Criteria: LabCorp Variant Classification Summary - May 2015. Collection method: clinical testing. Allele origin: germline.
Comment: Variant summary: TTN c.79896G>C (p.Met26632Ile) results in a conservative amino acid change in the encoded protein sequence. Algorithms developed to predict the effect of missense changes on protein structure and function are either unavailable or do not agree on the potential impact of this missense change. The variant allele was found at a frequency of 0.00024 in 248970 control chromosomes, predominantly at a frequency of 0.0015 within the Latino subpopulation in the gnomAD database. The observed variant frequency within Latino control individuals in the gnomAD database exceeds the estimated maximal expected allele frequency for disease-causing variants in TTN. c.79896G>C has been observed in at least 1 individual(s) affected with sudden unexplained death (example, Sanchez_2016) without strong evidence for causality. These report(s) do not provide unequivocal conclusions about association of the variant with Dilated Cardiomyopathy. To our knowledge, no experimental evidence demonstrating an impact on protein function has been reported. The following publication has been ascertained in the context of this evaluation (PMID: 27930701). ClinVar contains an entry for this variant (Variation ID: 513448). Based on the evidence outlined above, the variant was classified as likely benign.

PreventionGenetics, part of Exact Sciences
Classification: Uncertain significance for TTN-related condition. Last evaluated: 2025-12-23. Review status: criteria provided, single submitter. Criteria: ACMG Guidelines, 2015. Collection method: clinical testing. Allele origin: germline.
Comment: The TTN c.87600G>C variant is predicted to result in the amino acid substitution p.Met29200Ile. To our knowledge, this variant has not been reported in the literature. This variant is reported in 0.15% of alleles in individuals of Latino descent in gnomAD. Although we suspect that this variant may be benign, at this time, the clinical significance of this variant is uncertain due to the absence of conclusive functional and genetic evidence.

Athena Diagnostics
Classification: Likely benign. Last evaluated: 2025-02-06. Review status: criteria provided, single submitter. Criteria: Athena Diagnostics Criteria. Collection method: clinical testing. Allele origin: unknown.
Comment: The frequency of this variant in the general population is higher than would generally be expected for pathogenic variants in this gene.

Revvity Omics, Revvity
Classification: Uncertain significance. Last evaluated: 2020-03-19. Review status: criteria provided, single submitter. Criteria: ACMG Guidelines, 2015. Collection method: clinical testing. Allele origin: germline.

ARUP Laboratories, Molecular Genetics and Genomics, ARUP Laboratories
Classification: Uncertain significance. Last evaluated: 2019-03-04. Review status: criteria provided, single submitter. Criteria: ARUP Molecular Germline Variant Investigation Process. Collection method: clinical testing. Allele origin: germline.
Comment: The TTN c.79896G>C; p.Met26632Ile variant (rs750362675; ClinVar Variation ID: 513448) is rare in the general population (<1% allele frequency in the Genome Aggregation Database) and has not been reported in the medical literature in association with dilated cardiomyopathy (DCM) or other TTN-related disease. The clinical relevance of rare missense variants in this gene, which are identified on average once per individual sequenced in affected populations (Herman 2012), is not well understood. Yet, evidence suggests that the vast majority of such missense variants do not contribute to the clinical outcome of DCM (Begay 2015). Thus, the clinical significance of the p.Met26632Ile variant cannot be determined with certainty. References: Begay RL et al. Role of Titin Missense Variants in Dilated Cardiomyopathy. J Am Heart Assoc. 2015 Nov 13;4(11). Herman DS et al. Truncations of titin causing dilated cardiomyopathy. N Engl J Med. 2012 Feb 16;366(7):619-28. Linke and Hamdani. Gigantic business: titin properties and function through thick and thin. Circ Res 2014; 114(6): 1052-1068.

GeneDx
Classification: Likely benign. Last evaluated: 2018-11-21. Review status: criteria provided, single submitter. Criteria: GeneDx Variant Classification Process June 2021. Collection method: clinical testing. Allele origin: germline. Affected: yes.
Comment: This variant is associated with the following publications: (PMID: 27930701)

Illumina Laboratory Services, Illumina
Classification: Likely benign for Early-onset myopathy with fatal cardiomyopathy. Last evaluated: 2017-04-28. Review status: criteria provided, single submitter. Criteria: ICSL Variant Classification Criteria 13 December 2019. Collection method: clinical testing. Allele origin: germline.
Comment: This variant was observed as part of a predisposition screen in an ostensibly healthy population. A literature search was performed for the gene, cDNA change, and amino acid change (where applicable). No publications were found based on this search. Allele frequency data from public databases allowed determination this variant is unlikely to cause disease. Therefore, this variant is classified as likely benign.

Illumina Laboratory Services, Illumina
Classification: Benign for Myopathy, myofibrillar, 9, with early respiratory failure. Last evaluated: 2017-04-28. Review status: criteria provided, single submitter. Criteria: ICSL Variant Classification Criteria 13 December 2019. Collection method: clinical testing. Allele origin: germline.
Comment: This variant was observed as part of a predisposition screen in an ostensibly healthy population. A literature search was performed for the gene, cDNA change, and amino acid change (where applicable). No publications were found based on this search. Allele frequency data from public databases was too high to be consistent with this variant causing disease. Therefore, this variant is classified as benign.

Illumina Laboratory Services, Illumina
Classification: Likely benign for Dilated cardiomyopathy 1G. Last evaluated: 2017-04-28. Review status: criteria provided, single submitter. Criteria: ICSL Variant Classification Criteria 13 December 2019. Collection method: clinical testing. Allele origin: germline.
Comment: the same text as in the submission from Illumina Laboratory Services, Illumina above.

Illumina Laboratory Services, Illumina
Classification: Benign for Tibial muscular dystrophy. Last evaluated: 2017-04-28. Review status: criteria provided, single submitter. Criteria: ICSL Variant Classification Criteria 13 December 2019. Collection method: clinical testing. Allele origin: germline.
Comment: the same text as in the submission from Illumina Laboratory Services, Illumina above.

Illumina Laboratory Services, Illumina
Classification: Benign for Autosomal recessive limb-girdle muscular dystrophy type 2J. Last evaluated: 2017-04-28. Review status: criteria provided, single submitter. Criteria: ICSL Variant Classification Criteria 13 December 2019. Collection method: clinical testing. Allele origin: germline.
Comment: the same text as in the submission from Illumina Laboratory Services, Illumina above.

Literature cited by the submitters: PubMed 27930701 (cited by Women's Health and Genetics/Laboratory Corporation of America, LabCorp).